The following is an entry in ClinVar:

NM_006506.5(RASA2):c.223C>G (p.Arg75Gly)

Gene: RASA2 (RAS p21 protein activator 2; plus strand). Cytogenetic location: 3q23.
Variant type: single nucleotide variant.
Coding change: c.223C>G on transcript NM_006506.5 (MANE Select); coding-DNA position 223, C replaced by G.
Protein change: p.Arg75Gly; replaces arginine 75 with glycine.
Molecular consequence: missense variant.
Genome position (GRCh38, 1-based): chr3:141,512,252, C>G. VCF-style: chr3-141512252-C-G. GRCh37 (hg19) VCF-style: chr3-141231094-C-G.
Other names: c.223C>G, p.Arg75Gly (NM_001303245.3, NM_001303246.3); short protein forms R75G.
Identifiers: ClinVar variation 2819619 (VCV002819619.3), dbSNP rs773584568, ClinGen allele CA354779512.

ClinVar aggregate classification (germline): Uncertain significance (1 of 4 stars; one submission).

Submission:

Labcorp Genetics (formerly Invitae), Labcorp
Classification: Uncertain significance. Last evaluated: 2023-09-14. Review status: criteria provided, single submitter. Criteria: Invitae Variant Classification Sherloc (09022015). Collection method: clinical testing. Allele origin: germline.
Comment: Advanced modeling of protein sequence and biophysical properties (such as structural, functional, and spatial information, amino acid conservation, physicochemical variation, residue mobility, and thermodynamic stability) performed at Invitae indicates that this missense variant is expected to disrupt RASA2 protein function. In summary, the available evidence is currently insufficient to determine the role of this variant in disease. Therefore, it has been classified as a Variant of Uncertain Significance. This sequence change replaces arginine, which is basic and polar, with glycine, which is neutral and non-polar, at codon 75 of the RASA2 protein (p.Arg75Gly). This variant is not present in population databases (gnomAD no frequency). This variant has not been reported in the literature in individuals affected with RASA2-related conditions.